The following is an entry in ClinVar:

ClinVar aggregate classification (germline): Benign. Review status: criteria provided, multiple submitters, no conflicts (2 of 4 stars). 3 submissions from 3 submitters: Benign (3). Last evaluated 2026-01-26.

Conditions:
Polyglandular autoimmune syndrome, type 1 (APS1). Also called: Autoimmune polyendocrine syndrome type 1; APS I; Autoimmune polyendocrinopathy syndrome , type I, with or without reversible metaphyseal dysplasia; HYPOADRENOCORTICISM WITH HYPOPARATHYROIDISM AND SUPERFICIAL MONILIASIS; PGA I; AUTOIMMUNE POLYENDOCRINE SYNDROME, TYPE I, WITH OR WITHOUT REVERSIBLE METAPHYSEAL DYSPLASIA. Identifiers: Orphanet 3453, MedGen C0085859, MONDO:0009411, OMIM 240300.

Allele frequency attached by ClinVar (database versions not stated): gnomAD exomes 0.87820; 1000 Genomes Project 0.88379; 1000 Genomes Project 30x 0.88460; gnomAD 0.89783 and 0.90117; TOPMed 0.89832.

Submissions (3):

Labcorp Genetics (formerly Invitae), Labcorp
Classification: Benign for Polyglandular autoimmune syndrome, type 1. Last evaluated: 2026-01-26. Review status: criteria provided, single submitter. Criteria: Invitae Variant Classification Sherloc (09022015). Collection method: clinical testing. Allele origin: germline.

GeneDx
Classification: Benign. Last evaluated: 2018-11-10. Review status: criteria provided, single submitter. Criteria: GeneDx Variant Classification Process June 2021. Collection method: clinical testing. Allele origin: germline. Affected: yes.
Comment: This variant is associated with the following publications: (PMID: 25978041)

Breakthrough Genomics
Classification: Benign. Review status: criteria provided, single submitter. Criteria: ACMG Guidelines, 2015. Collection method: not provided. Allele origin: germline. Inheritance: Autosomal recessive inheritance. Affected: yes.

NC_000021.9:g.44285777T>C

Gene: AIRE (autoimmune regulator; plus strand). Cytogenetic location: 21q22.3.
Variant type: single nucleotide variant.
Genome position: GRCh38 VCF-style: chr21-44285777-T-C. GRCh37 (hg19) VCF-style: chr21-45705660-T-C.
Identifiers: ClinVar variation 1165016 (VCV001165016.12), dbSNP rs751032, ClinGen allele CA321787692.